The following is an entry in ClinVar:

NM_001042492.3(NF1):c.7190-1G>C

Gene: NF1 (neurofibromin 1; plus strand). Cytogenetic location: 17q11.2.
Variant type: single nucleotide variant.
Coding change: c.7190-1G>C on transcript NM_001042492.3 (MANE Select); the canonical splice acceptor site of the intron before coding-DNA position 7190, G replaced by C.
Molecular consequence: splice acceptor variant.
Genome position (GRCh38, 1-based): chr17:31,349,119, G>C. VCF-style: chr17-31349119-G-C. GRCh37 (hg19) VCF-style: chr17-29676137-G-C.
Other names: c.7127-1G>C (NM_000267.4).
Identifiers: ClinVar variation 1807298 (VCV001807298.1), dbSNP rs2070073417, ClinGen allele CA399016648.

ClinVar aggregate classification (germline): Likely pathogenic (1 of 4 stars; one submission).

Submission:

Athena Diagnostics
Classification: Likely pathogenic. Last evaluated: 2022-09-13. Review status: criteria provided, single submitter. Criteria: Athena Diagnostics Criteria. Collection method: clinical testing. Allele origin: unknown.
Comment: This variant is expected to severely impact normal RNA splicing, and consequently, protein structure and/or function. This variant has been identified in at least one individual with clinical features associated with NF1. This variant has not been reported in large, multi-ethnic general populations.

Literature cited by the submitters: PubMed 29673180.